The following is an entry in ClinVar:

ClinVar aggregate classification (germline): Uncertain significance. Review status: criteria provided, multiple submitters, no conflicts (2 of 4 stars). 2 submissions from 2 submitters: Uncertain significance (2). Last evaluated 2025-03-09.

Conditions:
Neuropathy, hereditary sensory and autonomic, type 2A (HSAN2A). Also called: ACROOSTEOLYSIS, GIACCAI TYPE; ACROOSTEOLYSIS, NEUROGENIC; MORVAN DISEASE; WNK1-Related HSAN2 (HSAN2A); HSAN IIA; NEUROPATHY, CONGENITAL SENSORY. Identifiers: Orphanet 970, MedGen C2752089, MONDO:0024309, OMIM 201300.
Pseudohypoaldosteronism type 2C (PHA2C). Also called: Pseudohypoaldosteronism Type IIC. Identifiers: Orphanet 757, Orphanet 88940, MedGen C1840391, MONDO:0013778, OMIM 614492.

gnomAD v4.1: 3 of 1,614,018 alleles (0.00019%); highest among the groups gnomAD compares: African/African-American, 0.004%; no homozygotes.

Submissions (2):

Labcorp Genetics (formerly Invitae), Labcorp
Classification: Uncertain significance for Neuropathy, hereditary sensory and autonomic, type 2A; Pseudohypoaldosteronism type 2C. Last evaluated: 2025-03-09. Review status: criteria provided, single submitter. Criteria: Invitae Variant Classification Sherloc (09022015). Collection method: clinical testing. Allele origin: germline.
Comment: This sequence change replaces aspartic acid, which is acidic and polar, with histidine, which is basic and polar, at codon 465 of the WNK1 protein (p.Asp465His). This variant is present in population databases (rs768875867, gnomAD 0.008%). This variant has not been reported in the literature in individuals affected with WNK1-related conditions. ClinVar contains an entry for this variant (Variation ID: 3575539). Invitae Evidence Modeling of protein sequence and biophysical properties (such as structural, functional, and spatial information, amino acid conservation, physicochemical variation, residue mobility, and thermodynamic stability) indicates that this missense variant is not expected to disrupt WNK1 protein function with a negative predictive value of 95%. In summary, the available evidence is currently insufficient to determine the role of this variant in disease. Therefore, it has been classified as a Variant of Uncertain Significance.

Fulgent Genetics
Classification: Uncertain significance for Neuropathy, hereditary sensory and autonomic, type 2A; Pseudohypoaldosteronism type 2C. Last evaluated: 2023-12-30. Review status: criteria provided, single submitter. Criteria: ACMG Guidelines, 2015. Collection method: clinical testing. Allele origin: germline.

NM_018979.4(WNK1):c.1393G>C (p.Asp465His)

Gene: WNK1 (WNK lysine deficient protein kinase 1; plus strand). Cytogenetic location: 12p13.33.
Variant type: single nucleotide variant.
Coding change: c.1393G>C on transcript NM_018979.4 (MANE Select); coding-DNA position 1393, G replaced by C.
Protein change: p.Asp465His; replaces aspartic acid 465 with histidine.
Molecular consequence: missense variant.
Genome position (GRCh38, 1-based): chr12:857,242, G>C. VCF-style: chr12-857242-G-C. GRCh37 (hg19) VCF-style: chr12-966408-G-C.
Other names: c.1393G>C, p.Asp465His (NM_001184985.2, NM_014823.3, NM_213655.5); short protein forms D465H.
Identifiers: ClinVar variation 3575539 (VCV003575539.2).
Genomic context (GRCh38, chr12:857,242, plus strand): 5'-GACAAAGTAGCAATTCCTGAAGTGAAGGAAATTATTGAAGGATGCATACGACAAAACAAA[G>C]ATGAAAGGTAAGTTGCCTCTTTTGATCTGGGTGATACTTGAACAAAACCTAAAAAGTAAT-3'
Protein context (NP_061852.3, residues 455-475): IIEGCIRQNK[Asp465His]ERYSIKDLLN